The following is an entry in ClinVar:

NM_001330078.2(NRXN1):c.3532C>A (p.Leu1178Ile)

Gene: NRXN1 (neurexin 1; minus strand). Cytogenetic location: 2p16.3.
Variant type: single nucleotide variant.
Coding change: c.3532C>A on transcript NM_001330078.2 (MANE Select); coding-DNA position 3532, C replaced by A.
Protein change: p.Leu1178Ile; replaces leucine 1178 with isoleucine.
Molecular consequence: missense variant.
Genome position (GRCh38, 1-based): chr2:50,236,803, G>T on the plus strand (C>A on the coding strand, the complement: NRXN1 is on the minus strand). VCF-style: chr2-50236803-G-T. GRCh37 (hg19) VCF-style: chr2-50463941-G-T.
Other names: p.Leu1218Ile; c.3652C>A, p.Leu1218Ile (NM_001135659.3); c.3508C>A, p.Leu1170Ile (NM_001330077.2, NM_001330082.2); c.3466C>A, p.Leu1156Ile (NM_001330083.2, NM_001330084.2); c.3505C>A, p.Leu1169Ile (NM_001330085.2); c.3532C>A, p.Leu1178Ile (NM_001330086.2, NM_004801.6); c.3421C>A, p.Leu1141Ile (NM_001330087.2, NM_001330096.2); c.3451C>A, p.Leu1151Ile (NM_001330088.2); and 4 more; short protein forms L1218I, L1161I, L1169I, L1170I, L1141I, L1174I, L1177I, L1178I.
Identifiers: ClinVar variation 336544 (VCV000336544.15), dbSNP rs201442938, ClinGen allele CA1654448.

ClinVar aggregate classification (germline): Uncertain significance. Review status: criteria provided, multiple submitters, no conflicts (2 of 4 stars). 3 submissions from 3 submitters: Uncertain significance (3). Last evaluated 2026-01-11.

Conditions:
Pitt-Hopkins-like syndrome 2 (PTHSL2). Identifiers: Orphanet 221150, Orphanet 600663, MedGen C3280479, MONDO:0013690, OMIM 614325.

Allele frequency attached by ClinVar (database versions not stated): gnomAD 0.00005 and 0.00006; ExAC 0.00013; gnomAD exomes 0.00014; TOPMed 0.00007.
gnomAD v4.1: 158 of 1,612,884 alleles (0.0098%); highest among the groups gnomAD compares: Non-Finnish European, 0.009%; no homozygotes.

Submissions (3):

Labcorp Genetics (formerly Invitae), Labcorp
Classification: Uncertain significance for Pitt-Hopkins-like syndrome 2. Last evaluated: 2026-01-11. Review status: criteria provided, single submitter. Criteria: Invitae Variant Classification Sherloc (09022015). Collection method: clinical testing. Allele origin: germline.
Comment: This sequence change replaces leucine, which is neutral and non-polar, with isoleucine, which is neutral and non-polar, at codon 1218 of the NRXN1 protein (p.Leu1218Ile). This variant is present in population databases (rs201442938, gnomAD 0.09%). This variant has not been reported in the literature in individuals affected with NRXN1-related conditions. ClinVar contains an entry for this variant (Variation ID: 336544). Invitae Evidence Modeling of protein sequence and biophysical properties (such as structural, functional, and spatial information, amino acid conservation, physicochemical variation, residue mobility, and thermodynamic stability) indicates that this missense variant is not expected to disrupt NRXN1 protein function with a negative predictive value of 80%. In summary, the available evidence is currently insufficient to determine the role of this variant in disease. Therefore, it has been classified as a Variant of Uncertain Significance.

Mayo Clinic Laboratories, Mayo Clinic
Classification: Uncertain significance. Last evaluated: 2021-06-08. Review status: criteria provided, single submitter. Criteria: ACMG Guidelines, 2015. Collection method: clinical testing. Allele origin: germline.

Illumina Laboratory Services, Illumina
Classification: Uncertain significance for Pitt-Hopkins-like syndrome 2. Last evaluated: 2018-01-13. Review status: criteria provided, single submitter. Criteria: ICSL Variant Classification Criteria 13 December 2019. Collection method: clinical testing. Allele origin: germline.